The following is an entry in ClinVar:

ClinVar aggregate classification (germline): Uncertain significance (1 of 4 stars; one submission).

Conditions:
Baller-Gerold syndrome (BGS). Also called: CRANIOSYNOSTOSIS WITH RADIAL DEFECTS. Identifiers: Orphanet 1225, MedGen C0265308, MONDO:0009039, OMIM 218600.

Submission:

Labcorp Genetics (formerly Invitae), Labcorp
Classification: Uncertain significance for Baller-Gerold syndrome. Last evaluated: 2023-04-11. Review status: criteria provided, single submitter. Criteria: Invitae Variant Classification Sherloc (09022015). Collection method: clinical testing. Allele origin: germline.
Comment: This sequence change replaces cysteine, which is neutral and slightly polar, with arginine, which is basic and polar, at codon 603 of the RECQL4 protein (p.Cys603Arg). In summary, the available evidence is currently insufficient to determine the role of this variant in disease. Therefore, it has been classified as a Variant of Uncertain Significance. Advanced modeling of protein sequence and biophysical properties (such as structural, functional, and spatial information, amino acid conservation, physicochemical variation, residue mobility, and thermodynamic stability) performed at Invitae indicates that this missense variant is expected to disrupt RECQL4 protein function. ClinVar contains an entry for this variant (Variation ID: 407012). This variant has not been reported in the literature in individuals affected with RECQL4-related conditions. This variant is not present in population databases (gnomAD no frequency).

NM_004260.4(RECQL4):c.1807T>C (p.Cys603Arg)

Gene: RECQL4 (RecQ like helicase 4; minus strand). Cytogenetic location: 8q24.3.
Variant type: single nucleotide variant.
Coding change: c.1807T>C on transcript NM_004260.4 (MANE Select); coding-DNA position 1807, T replaced by C.
Protein change: p.Cys603Arg; replaces cysteine 603 with arginine.
Molecular consequence: missense variant.
Genome position (GRCh38, 1-based): chr8:144,514,260, A>G on the plus strand (T>C on the coding strand, the complement: RECQL4 is on the minus strand). VCF-style: chr8-144514260-A-G. GRCh37 (hg19) VCF-style: chr8-145739644-A-G.
Other names: short protein forms C603R.
Identifiers: ClinVar variation 407012 (VCV000407012.3), dbSNP rs1060501379, ClinGen allele CA16612260.